The following is an entry in ClinVar:

ClinVar aggregate classification (germline): Pathogenic (1 of 4 stars; one submission).

Submission:

Labcorp Genetics (formerly Invitae), Labcorp
Classification: Pathogenic. Last evaluated: 2022-10-17. Review status: criteria provided, single submitter. Criteria: Invitae Variant Classification Sherloc (09022015). Collection method: clinical testing. Allele origin: germline.
Comment: For these reasons, this variant has been classified as Pathogenic. This variant has not been reported in the literature in individuals affected with SLC45A2-related conditions. This variant is a gross deletion of the genomic region encompassing exon(s) 5 of the SLC45A2 gene. This deletion is out-of-frame, and is expected to create a premature termination codon and result in an absent or disrupted protein product. Loss-of-function variants in SLC45A2 are known to be pathogenic (PMID: 21458243, 26573111).

Literature cited by the submitters: PubMed 21458243; PubMed 26573111.

NC_000005.9:g.(?_33951639)_(33951802_?)del

Gene: SLC45A2 (solute carrier family 45 member 2; minus strand). Cytogenetic location: 5p13.2.
Variant type: Deletion.
Identifiers: ClinVar variation 2426277 (VCV002426277.4).